The following is an entry in ClinVar:

NM_001184880.2(PCDH19):c.2254A>G (p.Lys752Glu)

Genes: PCDH19 (protocadherin 19; minus strand), LOC125467768 (CDK7 strongly-dependent group 2 enhancer GRCh37_chrX:99657381-99658580; plus strand). Cytogenetic location: Xq22.1.
Variant type: single nucleotide variant.
Coding change: c.2254A>G on transcript NM_001184880.2 (MANE Select); coding-DNA position 2254, A replaced by G.
Protein change: p.Lys752Glu; replaces lysine 752 with glutamic acid.
Molecular consequence: missense variant. On other transcripts: intron variant (2).
Genome position (GRCh38, 1-based): chrX:100,403,558, T>C on the plus strand (A>G on the coding strand, the complement: PCDH19 is on the minus strand). VCF-style: chrX-100403558-T-C. GRCh37 (hg19) VCF-style: chrX-99658556-T-C.
Other names: c.2148-707A>G (NM_020766.3, NM_001105243.2); short protein forms K752E.
Identifiers: ClinVar variation 4781210 (VCV004781210.1).

ClinVar aggregate classification (germline): Uncertain significance (1 of 4 stars; one submission).

Conditions:
Developmental and epileptic encephalopathy, 9 (DEE9). Also called: Early infantile epileptic encephalopathy 9; EPILEPSY, FEMALE-RESTRICTED, WITH MENTAL RETARDATION; JUBERG-HELLMAN SYNDROME; PCDH19-Related X-Linked Female-Limited Epilepsy with Mental Retardation. Identifiers: Orphanet 101039, Orphanet 2076, MedGen C1848137, MONDO:0010246, OMIM 300088. Disease mechanism: loss of function.

Submission:

Labcorp Genetics (formerly Invitae), Labcorp
Classification: Uncertain significance for Developmental and epileptic encephalopathy, 9. Last evaluated: 2025-10-02. Review status: criteria provided, single submitter. Criteria: Invitae Variant Classification Sherloc (09022015). Collection method: clinical testing. Allele origin: germline.
Comment: This sequence change replaces lysine, which is basic and polar, with glutamic acid, which is acidic and polar, at codon 752 of the PCDH19 protein (p.Lys752Glu). This variant is not present in population databases (gnomAD no frequency). This variant has not been reported in the literature in individuals affected with PCDH19-related conditions. Invitae Evidence Modeling of protein sequence and biophysical properties (such as structural, functional, and spatial information, amino acid conservation, physicochemical variation, residue mobility, and thermodynamic stability) indicates that this missense variant is not expected to disrupt PCDH19 protein function with a negative predictive value of 95%. In summary, the available evidence is currently insufficient to determine the role of this variant in disease. Therefore, it has been classified as a Variant of Uncertain Significance.